The following is an entry in ClinVar:

NM_001478.5(B4GALNT1):c.1203C>A (p.Ser401Arg)

Gene: B4GALNT1 (beta-1,4-N-acetyl-galactosaminyltransferase 1; minus strand). Cytogenetic location: 12q13.3.
Variant type: single nucleotide variant.
Coding change: c.1203C>A on transcript NM_001478.5 (MANE Select); coding-DNA position 1203, C replaced by A.
Protein change: p.Ser401Arg; replaces serine 401 with arginine.
Molecular consequence: missense variant.
Genome position (GRCh38, 1-based): chr12:57,627,799, G>T on the plus strand (C>A on the coding strand, the complement: B4GALNT1 is on the minus strand). VCF-style: chr12-57627799-G-T. GRCh37 (hg19) VCF-style: chr12-58021582-G-T.
Other names: c.1038C>A, p.Ser346Arg (NM_001276468.2, NM_001413978.1); c.1371C>A, p.Ser457Arg (NM_001413967.1); c.1338C>A, p.Ser446Arg (NM_001413968.1, NM_001413969.1); c.1236C>A, p.Ser412Arg (NM_001413970.1, NM_001413971.1, NM_001413972.1); c.1203C>A, p.Ser401Arg (NM_001413973.1, NM_001413974.1); c.1104C>A, p.Ser368Arg (NM_001413977.1); c.351C>A, p.Ser117Arg (NM_001413981.1); c.249C>A, p.Ser83Arg (NM_001413982.1); and 1 more; short protein forms S346R, S83R, S446R, S457R, S117R, S368R, S401R, S412R.
Identifiers: ClinVar variation 1929846 (VCV001929846.2), dbSNP rs779937342, ClinGen allele CA6655493.

ClinVar aggregate classification (germline): Uncertain significance (1 of 4 stars; one submission).

Conditions:
Spastic paraplegia. Identifiers: MedGen C0037772, HP:0001258.

Allele frequency attached by ClinVar (database versions not stated): ExAC 0.00002; gnomAD 0.00002; TOPMed 0.00002.
gnomAD v4.1: 4 of 1,596,282 alleles (0.00025%); highest among the groups gnomAD compares: East Asian, 0.009%; no homozygotes.

Submission:

Labcorp Genetics (formerly Invitae), Labcorp
Classification: Uncertain significance for Spastic paraplegia. Last evaluated: 2022-07-09. Review status: criteria provided, single submitter. Criteria: Invitae Variant Classification Sherloc (09022015). Collection method: clinical testing. Allele origin: germline.
Comment: This sequence change replaces serine, which is neutral and polar, with arginine, which is basic and polar, at codon 401 of the B4GALNT1 protein (p.Ser401Arg). The frequency data for this variant in the population databases is considered unreliable, as metrics indicate poor data quality at this position in the gnomAD database. This variant has not been reported in the literature in individuals affected with B4GALNT1-related conditions. Algorithms developed to predict the effect of missense changes on protein structure and function are either unavailable or do not agree on the potential impact of this missense change (SIFT: "Deleterious"; PolyPhen-2: "Benign"; Align-GVGD: "Class C65"). In summary, the available evidence is currently insufficient to determine the role of this variant in disease. Therefore, it has been classified as a Variant of Uncertain Significance.